The following is an entry in ClinVar:

ClinVar aggregate classification (germline): Benign (1 of 4 stars; one submission).

Allele frequency attached by ClinVar (database versions not stated): 1000 Genomes Project 0.36042; 1000 Genomes Project 30x 0.36321; gnomAD 0.39089; TOPMed 0.40215.
gnomAD v4.1: 60,911 of 151,776 alleles (40%); highest among the groups gnomAD compares: African/African-American, 47%; 12,513 homozygotes.

Submission:

GeneDx
Classification: Benign. Last evaluated: 2018-06-14. Review status: criteria provided, single submitter. Criteria: GeneDx Variant Classification (06012015). Collection method: clinical testing. Allele origin: germline. Affected: yes.
Comment: This variant is considered likely benign or benign based on one or more of the following criteria: it is a conservative change, it occurs at a poorly conserved position in the protein, it is predicted to be benign by multiple in silico algorithms, and/or has population frequency not consistent with disease.

NM_005751.5(AKAP9):c.4692+279G>A

Gene: AKAP9 (A-kinase anchoring protein 9; plus strand). Cytogenetic location: 7q21.2.
Variant type: single nucleotide variant.
Coding change: c.4692+279G>A on transcript NM_005751.5 (MANE Select); 279 bases into the intron after coding-DNA position 4692, G replaced by A.
Molecular consequence: intron variant.
Genome position (GRCh38, 1-based): chr7:92,039,051, G>A. VCF-style: chr7-92039051-G-A. GRCh37 (hg19) VCF-style: chr7-91668365-G-A.
Other names: c.4692+279G>A (NM_147185.3).
Identifiers: ClinVar variation 682746 (VCV000682746.1), dbSNP rs34548928, ClinGen allele CA12543478.
Genomic context (GRCh38, chr7:92,039,051, plus strand): 5'-CATCTCCCAGGTTCAGGCGATTCTCCTGCCTCAGCCTCCTGAGTAACTGGGACTCCATGC[G>A]CGTGCCACCACATCCAGCTAATTTTTGTATTTTTAGTAGAGACAGGATTTTACCATGTTG-3'